The following is an entry in ClinVar:

NM_004525.3(LRP2):c.8093_8099del (p.Glu2698fs)

Gene: LRP2 (LDL receptor related protein 2; minus strand). Cytogenetic location: 2q31.1.
Variant type: Deletion.
Coding change: c.8093_8099del on transcript NM_004525.3 (MANE Select); coding-DNA positions 8093 to 8099, 7 bases deleted (AACGATG; older notation c.8093_8099delAACGATG).
Protein change: p.Glu2698fs; shifts the reading frame from glutamic acid 2698.
Molecular consequence: frameshift variant.
Genome position (GRCh38, 1-based): chr2:169,202,866-169,202,872, CATCGTT deleted on the plus strand (AACGATG on the coding strand, the reverse complement: LRP2 is on the minus strand); deleting any 7 consecutive bases within chr2:169,202,866-169,202,874 gives the same sequence; the c. name uses the placement nearest the transcript's 3' end. VCF-style (leftmost placement, unchanged base first): chr2-169202865-ACATCGTT-A. GRCh37 (hg19) VCF-style: chr2-170059375-ACATCGTT-A.
Other names: short protein forms E2698fs.
Identifiers: ClinVar variation 5015289 (VCV005015289.1).

ClinVar aggregate classification (germline): Pathogenic (1 of 4 stars; one submission).

Conditions:
Donnai-Barrow syndrome. Also called: DBS/FOAR SYNDROME; FACIOOCULOACOUSTICORENAL SYNDROME. Identifiers: Orphanet 2143, MedGen C1857277, MONDO:0009104, OMIM 222448.

Submission:

Myriad Genetics, Inc.
Classification: Pathogenic for Donnai-Barrow syndrome. Last evaluated: 2025-12-04. Review status: criteria provided, single submitter. Criteria: Myriad Autosomal Dominant, Autosomal Recessive and X-Linked Classification Criteria (2023). Collection method: clinical testing. Allele origin: unknown.
Comment: NM_004525.2(LRP2):c.8093_8099del7(E2698Vfs*104) is expected to be pathogenic in the context of Donnai-Barrow syndrome. This variant is predicted to lead to an abnormal or absent protein product due to the creation of a premature termination codon in LRP2, a gene where loss-of-function variants are known to be pathogenic. Please note: this variant was assessed in the context of healthy population screening.